The following is an entry in ClinVar:

NM_001182.5(ALDH7A1):c.651-19T>A

Gene: ALDH7A1 (aldehyde dehydrogenase 7 family member A1; minus strand). Cytogenetic location: 5q23.2.
Variant type: single nucleotide variant.
Coding change: c.651-19T>A on transcript NM_001182.5 (MANE Select); 19 bases into the intron before coding-DNA position 651, T replaced by A.
Molecular consequence: intron variant.
Genome position (GRCh38, 1-based): chr5:126,575,483, A>T on the plus strand (T>A on the coding strand, the complement: ALDH7A1 is on the minus strand). VCF-style: chr5-126575483-A-T. GRCh37 (hg19) VCF-style: chr5-125911175-A-T.
Other names: c.651-19T>A (NM_001202404.2); c.567-19T>A (NM_001201377.2).
Identifiers: ClinVar variation 382338 (VCV000382338.3), dbSNP rs1057521334, ClinGen allele CA16605216.

ClinVar aggregate classification (germline): Likely benign. Review status: criteria provided, multiple submitters, no conflicts (2 of 4 stars). 2 submissions from 2 submitters: Likely benign (2). Last evaluated 2024-08-11.

Conditions:
Pyridoxine-dependent epilepsy (EPEO4). Also called: Pyridoxine-Dependent Epilepsy - ALDH7A1; EPILEPSY, EARLY-ONSET, 4, VITAMIN B6-DEPENDENT; Pyridoxine-Dependent Seizures; PYRIDOXINE DEPENDENCY WITH SEIZURES. Identifiers: Orphanet 3006, MedGen C1849508, MONDO:0009945, OMIM 266100. Disease mechanism: loss of function.

Allele frequency attached by ClinVar (database versions not stated): TOPMed below 0.00001; gnomAD 0.00001.
gnomAD v4.1: 1 of 1,604,488 alleles (0.000062%); highest among the groups gnomAD compares: Non-Finnish European, 0.000085%; no homozygotes.

Submissions (2):

Labcorp Genetics (formerly Invitae), Labcorp
Classification: Likely benign for Pyridoxine-dependent epilepsy. Last evaluated: 2024-08-11. Review status: criteria provided, single submitter. Criteria: Invitae Variant Classification Sherloc (09022015). Collection method: clinical testing. Allele origin: germline.

GeneDx
Classification: Likely benign. Last evaluated: 2015-12-23. Review status: criteria provided, single submitter. Criteria: GeneDx Variant Classification (06012015). Collection method: clinical testing. Allele origin: germline. Affected: yes.
Comment: This variant is considered likely benign or benign based on one or more of the following criteria: it is a conservative change, it occurs at a poorly conserved position in the protein, it is predicted to be benign by multiple in silico algorithms, and/or has population frequency not consistent with disease.